The following is an entry in ClinVar:

NM_174912.4(FAAH2):c.781G>C (p.Gly261Arg)

Gene: FAAH2 (fatty acid amide hydrolase 2; plus strand). Cytogenetic location: Xp11.21.
Variant type: single nucleotide variant.
Coding change: c.781G>C on transcript NM_174912.4 (MANE Select); coding-DNA position 781, G replaced by C.
Protein change: p.Gly261Arg; replaces glycine 261 with arginine.
Molecular consequence: missense variant. On other transcripts: non-coding transcript variant (2).
Genome position (GRCh38, 1-based): chrX:57,378,689, G>C. VCF-style: chrX-57378689-G-C. GRCh37 (hg19) VCF-style: chrX-57405122-G-C.
Other names: c.781G>C, p.Gly261Arg (NM_001353840.1); c.571G>C, p.Gly191Arg (NM_001353841.1); c.781G>C (NM_174912.3); short protein forms G191R, G261R.
Identifiers: ClinVar variation 2660718 (VCV002660718.25), dbSNP rs368527435, ClinGen allele CA10430726.

ClinVar aggregate classification (germline): Conflicting classifications of pathogenicity. Review status: criteria provided, conflicting classifications (1 of 4 stars). 2 submissions from 2 submitters: Uncertain significance (1); Likely benign (1). Last evaluated 2023-04-01.

Allele frequency attached by ClinVar (database versions not stated): gnomAD 0.00004; TOPMed 0.00006; gnomAD exomes 0.00007; ExAC 0.00009; ESP Exome Variant Server 0.00009.
gnomAD v4.1: 82 of 1,209,000 alleles (0.0068%); highest among the groups gnomAD compares: Non-Finnish European, 0.0089%; no homozygotes.

Submissions (2):

CeGaT Center for Human Genetics Tuebingen
Classification: Likely benign. Last evaluated: 2023-04-01. Review status: criteria provided, single submitter. Criteria: CeGaT Center For Human Genetics Tuebingen Variant Classification Criteria Version 2. Collection method: clinical testing. Allele origin: germline. Affected: yes. Observed: 1 variant allele.
Comment: FAAH2: BP4, BS2

Ambry Genetics
Classification: Uncertain significance. Last evaluated: 2021-10-26. Review status: criteria provided, single submitter. Criteria: Ambry Variant Classification Scheme 2023. Collection method: clinical testing. Allele origin: germline.